The following is an entry in ClinVar:

NM_133510.4(RAD51B):c.539A>G (p.Tyr180Cys)

Gene: RAD51B (RAD51 paralog B; plus strand). Cytogenetic location: 14q24.1.
Variant type: single nucleotide variant.
Coding change: c.539A>G on transcript NM_133510.4 (MANE Select); coding-DNA position 539, A replaced by G.
Protein change: p.Tyr180Cys; replaces tyrosine 180 with cysteine.
Molecular consequence: missense variant.
Genome position (GRCh38, 1-based): chr14:67,885,955, A>G. VCF-style: chr14-67885955-A-G. GRCh37 (hg19) VCF-style: chr14-68352672-A-G.
Other names: c.539A>G (NM_133510.3); c.539A>G, p.Tyr180Cys (NM_001321809.2, NM_001321810.2, NM_001321812.1 and 6 more transcripts); c.425A>G, p.Tyr142Cys (NM_001321815.1); c.182A>G, p.Tyr61Cys (NM_001321817.2); short protein forms Y61C, Y142C, Y180C.
Identifiers: ClinVar variation 710709 (VCV000710709.31), dbSNP rs28910275, ClinGen allele CA7241118.

ClinVar aggregate classification (germline): Benign. Review status: criteria provided, multiple submitters, no conflicts (2 of 4 stars). 6 submissions from 6 submitters: Benign (5). 1 of the submissions does not count toward it. Last evaluated 2024-07-08.

Conditions:
RAD51B-related disorder. Also called: RAD51B-related condition.

Allele frequency attached by ClinVar (database versions not stated): TOPMed 0.00202; 1000 Genomes Project 30x 0.00234; 1000 Genomes Project 0.00300; ESP Exome Variant Server 0.00300; gnomAD exomes 0.00467 and 0.00678; ExAC 0.00585; gnomAD 0.00601 and 0.00650.
gnomAD v4.1: 7,631 of 1,607,022 alleles (0.47%); highest among the groups gnomAD compares: Non-Finnish European, 0.35%; 94 homozygotes.

Submissions (6):

Ambry Genetics
Classification: Benign. Last evaluated: 2024-07-08. Review status: criteria provided, single submitter. Criteria: Ambry Variant Classification Scheme 2023. Collection method: clinical testing. Allele origin: germline.

CeGaT Center for Human Genetics Tuebingen
Classification: Benign. Last evaluated: 2022-06-01. Review status: criteria provided, single submitter. Criteria: CeGaT Center For Human Genetics Tuebingen Variant Classification Criteria Version 2. Collection method: clinical testing. Allele origin: germline. Affected: yes. Observed: 1 variant allele.
Comment: RAD51B: BP4, BS1, BS2

GeneDx
Classification: Benign. Last evaluated: 2018-07-20. Review status: criteria provided, single submitter. Criteria: GeneDx Variant Classification (06012015). Collection method: clinical testing. Allele origin: germline. Affected: yes.
Comment: This variant is associated with the following publications: (PMID: 28767289, 29371908)

Labcorp Genetics (formerly Invitae), Labcorp
Classification: Benign. Last evaluated: 2018-07-20. Review status: criteria provided, single submitter. Criteria: Invitae Variant Classification Sherloc (09022015). Collection method: clinical testing. Allele origin: germline.

Breakthrough Genomics
Classification: Benign. Review status: criteria provided, single submitter. Criteria: ACMG Guidelines, 2015. Collection method: not provided. Allele origin: germline. Inheritance: Unknown mechanism. Affected: yes.

PreventionGenetics, part of Exact Sciences
Classification: Benign for RAD51B-related condition. Last evaluated: 2019-11-13. Review status: no assertion criteria provided. Collection method: clinical testing. Allele origin: germline. Not counted in ClinVar's aggregate classification.
Comment: This variant is classified as benign based on ACMG/AMP sequence variant interpretation guidelines (Richards et al. 2015 PMID: 25741868, with internal and published modifications).